The following is an entry in ClinVar:

ClinVar aggregate classification (germline): Uncertain significance (1 of 4 stars; one submission).

Submission:

Labcorp Genetics (formerly Invitae), Labcorp
Classification: Uncertain significance. Last evaluated: 2024-04-22. Review status: criteria provided, single submitter. Criteria: Invitae Variant Classification Sherloc (09022015). Collection method: clinical testing. Allele origin: germline.
Comment: This sequence change replaces cysteine, which is neutral and slightly polar, with glycine, which is neutral and non-polar, at codon 448 of the ACO2 protein (p.Cys448Gly). This variant is not present in population databases (gnomAD no frequency). This variant has not been reported in the literature in individuals affected with ACO2-related conditions. ClinVar contains an entry for this variant (Variation ID: 1497642). Advanced modeling of protein sequence and biophysical properties (such as structural, functional, and spatial information, amino acid conservation, physicochemical variation, residue mobility, and thermodynamic stability) performed at Invitae indicates that this missense variant is expected to disrupt ACO2 protein function with a positive predictive value of 80%. In summary, the available evidence is currently insufficient to determine the role of this variant in disease. Therefore, it has been classified as a Variant of Uncertain Significance.

NM_001098.3(ACO2):c.1342T>G (p.Cys448Gly)

Gene: ACO2 (aconitase 2; plus strand). Cytogenetic location: 22q13.2.
Variant type: single nucleotide variant.
Coding change: c.1342T>G on transcript NM_001098.3 (MANE Select); coding-DNA position 1342, T replaced by G.
Protein change: p.Cys448Gly; replaces cysteine 448 with glycine.
Molecular consequence: missense variant.
Genome position (GRCh38, 1-based): chr22:41,523,250, T>G. VCF-style: chr22-41523250-T-G. GRCh37 (hg19) VCF-style: chr22-41919254-T-G.
Other names: short protein forms C448G.
Identifiers: ClinVar variation 1497642 (VCV001497642.8), dbSNP rs2146135444, ClinGen allele CA411725635.